The following is an entry in ClinVar:

NM_001148.6(ANK2):c.10244C>G (p.Thr3415Arg)

Gene: ANK2 (ankyrin 2; plus strand). Cytogenetic location: 4q26.
Variant type: single nucleotide variant.
Coding change: c.10244C>G on transcript NM_001148.6 (MANE Select); coding-DNA position 10244, C replaced by G.
Protein change: p.Thr3415Arg; replaces threonine 3415 with arginine.
Molecular consequence: missense variant. On other transcripts: intron variant (68).
Genome position (GRCh38, 1-based): chr4:113,358,862, C>G. VCF-style: chr4-113358862-C-G. GRCh37 (hg19) VCF-style: chr4-114280018-C-G.
Other names: c.10010C>G, p.Thr3337Arg (NM_001386142.1); c.6644C>G, p.Thr2215Arg (NM_001386166.1); c.10385C>G, p.Thr3462Arg (NM_001386174.1); c.10361C>G, p.Thr3454Arg (NM_001386175.1); c.4412-1961C>G (NM_001386186.2, NM_001386148.2); c.4214-1961C>G (NM_001354269.3); c.4292-1961C>G (NM_001386187.2); c.4253-1961C>G (NM_001386147.1); and 35 more; short protein forms T3462R, T2215R, T3337R, T3415R, T3454R.
Identifiers: ClinVar variation 3539635 (VCV003539635.1).

ClinVar aggregate classification (germline): Uncertain significance (1 of 4 stars; one submission).

Conditions:
Cardiovascular phenotype. Identifiers: MedGen CN230736.

Submission:

Ambry Genetics
Classification: Uncertain significance for Cardiovascular phenotype. Last evaluated: 2024-08-28. Review status: criteria provided, single submitter. Criteria: Ambry Variant Classification Scheme 2023. Collection method: clinical testing. Allele origin: germline.
Comment: The p.T3415R variant (also known as c.10244C>G), located in coding exon 38 of the ANK2 gene, results from a C to G substitution at nucleotide position 10244. The threonine at codon 3415 is replaced by arginine, an amino acid with similar properties. This amino acid position is conserved. In addition, this alteration is predicted to be tolerated by in silico analysis. Based on the available evidence, the clinical significance of this variant remains unclear.